The following is an entry in ClinVar:

ClinVar aggregate classification (germline): Uncertain significance (1 of 4 stars; one submission).

Conditions:
Neurofibromatosis, type 2 (SWNV). Also called: BILATERAL ACOUSTIC NEUROFIBROMATOSIS; SCHWANNOMATOSIS, VESTIBULAR; NF2-Related Schwannomatosis. Identifiers: Orphanet 637, MedGen C0027832, MONDO:0007039, OMIM 101000. Disease mechanism: loss of function.

Submission:

Labcorp Genetics (formerly Invitae), Labcorp
Classification: Uncertain significance for Neurofibromatosis, type 2. Last evaluated: 2019-10-25. Review status: criteria provided, single submitter. Criteria: Invitae Variant Classification Sherloc (09022015). Collection method: clinical testing. Allele origin: germline.
Comment: In summary, the available evidence is currently insufficient to determine the role of this variant in disease. Therefore, it has been classified as a Variant of Uncertain Significance. Algorithms developed to predict the effect of missense changes on protein structure and function are either unavailable or do not agree on the potential impact of this missense change (SIFT: "Deleterious"; PolyPhen-2: "Benign"; Align-GVGD: "Class C0"). This variant has not been reported in the literature in individuals with NF2-related conditions. This variant is not present in population databases (ExAC no frequency). This sequence change replaces methionine with lysine at codon 363 of the NF2 protein (p.Met363Lys). The methionine residue is weakly conserved and there is a moderate physicochemical difference between methionine and lysine.

NM_000268.4(NF2):c.1088T>A (p.Met363Lys)

Gene: NF2 (NF2, moesin-ezrin-radixin like (MERLIN) tumor suppressor; plus strand). Cytogenetic location: 22q12.2.
Variant type: single nucleotide variant.
Coding change: c.1088T>A on transcript NM_000268.4 (MANE Select); coding-DNA position 1088, T replaced by A.
Protein change: p.Met363Lys; replaces methionine 363 with lysine.
Molecular consequence: missense variant. On other transcripts: non-coding transcript variant (1), intron variant (1).
Genome position (GRCh38, 1-based): chr22:29,671,914, T>A. VCF-style: chr22-29671914-T-A. GRCh37 (hg19) VCF-style: chr22-30067903-T-A.
Other names: c.1088T>A, p.Met363Lys (NM_016418.5, NM_181825.3, NM_181832.3); c.962T>A, p.Met321Lys (NM_181828.3); c.965T>A, p.Met322Lys (NM_181829.3); c.839T>A, p.Met280Lys (NM_181830.3, NM_181831.3); c.448-22838T>A (NM_181833.3); short protein forms M280K, M322K, M363K, M321K.
Identifiers: ClinVar variation 969901 (VCV000969901.10), dbSNP rs2066804849, ClinGen allele CA411147077.